The following is an entry in ClinVar:

ClinVar aggregate classification (germline): Uncertain significance (1 of 4 stars; one submission).

Conditions:
Hereditary cancer-predisposing syndrome. Also called: Tumor predisposition; Hereditary Cancer Syndrome; Neoplastic Syndromes, Hereditary; Hereditary neoplastic syndrome. Identifiers: Orphanet 140162, MedGen C0027672, MeSH D009386, MONDO:0015356.

Allele frequency attached by ClinVar (database versions not stated): TOPMed 0.00001.

Submission:

Ambry Genetics
Classification: Uncertain significance for Hereditary cancer-predisposing syndrome. Last evaluated: 2021-03-31. Review status: criteria provided, single submitter. Criteria: Ambry Variant Classification Scheme 2023. Collection method: clinical testing. Allele origin: germline.
Comment: The p.S913F variant (also known as c.2738C>T), located in coding exon 18 of the BRIP1 gene, results from a C to T substitution at nucleotide position 2738. The serine at codon 913 is replaced by phenylalanine, an amino acid with highly dissimilar properties. This amino acid position is poorly conserved in available vertebrate species. In addition, this alteration is predicted to be tolerated by in silico analysis. Since supporting evidence is limited at this time, the clinical significance of this alteration remains unclear.

NM_032043.3(BRIP1):c.2738C>T (p.Ser913Phe)

Gene: BRIP1 (BRCA1 interacting DNA helicase 1; minus strand). Cytogenetic location: 17q23.2.
Variant type: single nucleotide variant.
Coding change: c.2738C>T on transcript NM_032043.3 (MANE Select); coding-DNA position 2738, C replaced by T.
Protein change: p.Ser913Phe; replaces serine 913 with phenylalanine.
Molecular consequence: missense variant.
Genome position (GRCh38, 1-based): chr17:61,686,003, G>A on the plus strand (C>T on the coding strand, the complement: BRIP1 is on the minus strand). VCF-style: chr17-61686003-G-A. GRCh37 (hg19) VCF-style: chr17-59763364-G-A.
Other names: short protein forms S913F.
Identifiers: ClinVar variation 1795369 (VCV001795369.2), dbSNP rs1028504408, ClinGen allele CA292268126.